The following is an entry in ClinVar:

ClinVar aggregate classification (germline): Pathogenic. Review status: reviewed by expert panel (3 of 4 stars). 2 submissions from 2 submitters: Pathogenic (1). 1 of the submissions does not count toward it. Last evaluated 2017-12-15.

Conditions:
Breast-ovarian cancer, familial, susceptibility to, 2 (BROVCA2). Also called: BRCA2 Hereditary Breast and Ovarian Cancer. Identifiers: Orphanet 145, MedGen C2675520, MONDO:0012933, OMIM 612555. Disease mechanism: loss of function.

Submissions (2):

Evidence-based Network for the Interpretation of Germline Mutant Alleles (ENIGMA)
Classification: Pathogenic for Breast-ovarian cancer, familial, susceptibility to, 2. Last evaluated: 2017-12-15. Review status: reviewed by expert panel. Criteria: ENIGMA BRCA1/2 Classification Criteria (2017-06-29). Collection method: curation. Allele origin: germline. Study: ENIGMA.
Comment: Variant allele predicted to encode a truncated non-functional protein.

GeneDx
Classification: Pathogenic. Last evaluated: 2016-04-25. Review status: criteria provided, single submitter. Criteria: GeneDx Variant Classification (06012015). Collection method: clinical testing. Allele origin: germline. Affected: yes. Not counted in ClinVar's aggregate classification.
Comment: This duplication of two nucleotides in BRCA2 is denoted c.7758_7759dupGC at the cDNA level and p.Leu2587ArgfsX62 (L2587RfsX62) at the protein level. Using alternate nomenclature this variant would be defined as BRCA2 7996_7997dupGC. The normal sequence, with the bases that are duplicated in braces, is GATG[GC]TCAT. The duplication causes a frameshift which changes a Leucine to an Arginine at codon 2587, and creates a premature stop codon at position 62 of the new reading frame. Although this variant has not, to our knowledge, been reported in the literature, it is predicted to cause loss of normal protein function through either protein truncation or nonsense-mediated mRNA decay. We consider this variant to be pathogenic.

NM_000059.4(BRCA2):c.7758_7759dup (p.Leu2587fs)

Gene: BRCA2 (BRCA2 DNA repair associated; plus strand). Cytogenetic location: 13q13.1.
Variant type: Duplication.
Coding change: c.7758_7759dup on transcript NM_000059.4 (MANE Select); coding-DNA positions 7758 to 7759, 2 bases duplicated (GC; older notation c.7758_7759dupGC).
Protein change: p.Leu2587fs; shifts the reading frame from leucine 2587.
Molecular consequence: frameshift variant.
Genome position (GRCh38, 1-based): chr13:32,357,882-32,357,883, GC duplicated. VCF-style (leftmost placement, unchanged base first): chr13-32357881-G-GGC. GRCh37 (hg19) VCF-style: chr13-32932018-G-GGC.
Other names: c.7758_7759dupGC (NM_000059.3); short protein forms L2587fs.
Identifiers: ClinVar variation 421028 (VCV000421028.1), dbSNP rs1555286443, ClinGen allele CA16619769.
Genomic context (GRCh38, chr13:32,357,881, plus strand): 5'-ATTATTTTGGTAAGGAAAGTTTATGGACTGGAAAAGGAATACAGTTGGCTGATGGTGGAT[G>GGC]GCTCATACCCTCCAATGATGGAAAGGCTGGAAAAGAAGAATTTTATAGGTACTCTATGCA-3'